The following is an entry in ClinVar:

NM_001365536.1(SCN9A):c.3834T>G (p.Leu1278=)

Genes: SCN1A-AS1 (SCN1A and SCN9A antisense RNA 1; plus strand), SCN9A (sodium voltage-gated channel alpha subunit 9; minus strand). Cytogenetic location: 2q24.3.
Variant type: single nucleotide variant.
Coding change: c.3834T>G on transcript NM_001365536.1 (MANE Select); coding-DNA position 3834, T replaced by G.
Protein change: p.Leu1278=; no amino-acid change (leucine 1278 retained).
Molecular consequence: synonymous variant.
Genome position (GRCh38, 1-based): chr2:166,233,430, A>C on the plus strand (T>G on the coding strand, the complement: SCN9A is on the minus strand). VCF-style: chr2-166233430-A-C. GRCh37 (hg19) VCF-style: chr2-167089940-A-C.
Other names: c.3801T>G, p.Leu1267= (NM_002977.4).
Identifiers: ClinVar variation 508902 (VCV000508902.3), dbSNP rs1553480111, ClinGen allele CA429900519.
Genomic context (GRCh38, chr2:166,233,430, plus strand): 5'-TAGAGGTCTTAAAGCTCTCAGTGTCCGAAGGGATTTAATGGGGCCAAGATCTGAGTAGCC[A>C]AGAGTGTTTGCCACTAAAGTAACCAAAGAAACCTATAAAAATAACATTTTCATTAATTGT-3'
Protein context (NP_001352465.1, residues 1268-1288): VSLVTLVANT[Leu1278=]GYSDLGPIKS

ClinVar aggregate classification (germline): Likely benign. Review status: criteria provided, multiple submitters, no conflicts (2 of 4 stars). 2 submissions from 2 submitters: Likely benign (2). Last evaluated 2019-07-11.

Conditions:
Inborn genetic diseases. Identifiers: MedGen C0950123, MeSH D030342.

Submissions (2):

Ambry Genetics
Classification: Likely benign for Inborn genetic diseases. Last evaluated: 2019-07-11. Review status: criteria provided, single submitter. Criteria: Ambry Variant Classification Scheme 2023. Collection method: clinical testing. Allele origin: germline.

GeneDx
Classification: Likely benign. Last evaluated: 2017-04-13. Review status: criteria provided, single submitter. Criteria: GeneDx Variant Classification (06012015). Collection method: clinical testing. Allele origin: germline. Affected: yes.
Comment: This variant is considered likely benign or benign based on one or more of the following criteria: it is a conservative change, it occurs at a poorly conserved position in the protein, it is predicted to be benign by multiple in silico algorithms, and/or has population frequency not consistent with disease.